The following is an entry in ClinVar:

ClinVar aggregate classification (germline): Uncertain significance. Review status: criteria provided, single submitter (1 of 4 stars). 2 submissions from 2 submitters: Uncertain significance (1). 1 of the submissions does not count toward it. Last evaluated 2024-09-05.

Conditions:
Zellweger spectrum disorders (ZS). Also called: Zellweger Spectrum Disorder; Zellweger Spectrum; Zellweger syndrome; Zellweger Spectrum Disorder (ZSD). Identifiers: Orphanet 912, MedGen C0043459, MONDO:0019609.
Peroxisome biogenesis disorder. Identifiers: Orphanet 79189, MedGen C1832200, MONDO:0019234. Disease mechanism: loss of function.

gnomAD v4.1: 1 of 1,613,946 alleles (0.000062%); highest among the groups gnomAD compares: Non-Finnish European, 0.000085%; no homozygotes.

Submissions (2):

Labcorp Genetics (formerly Invitae), Labcorp
Classification: Uncertain significance for Peroxisome biogenesis disorder. Last evaluated: 2024-09-05. Review status: criteria provided, single submitter. Criteria: Invitae Variant Classification Sherloc (09022015). Collection method: clinical testing. Allele origin: germline.
Comment: This sequence change replaces leucine, which is neutral and non-polar, with arginine, which is basic and polar, at codon 731 of the PEX6 protein (p.Leu731Arg). This variant is not present in population databases (gnomAD no frequency). This variant has not been reported in the literature in individuals affected with PEX6-related conditions. ClinVar contains an entry for this variant (Variation ID: 2012725). Invitae Evidence Modeling of protein sequence and biophysical properties (such as structural, functional, and spatial information, amino acid conservation, physicochemical variation, residue mobility, and thermodynamic stability) has been performed for this missense variant. However, the output from this modeling did not meet the statistical confidence thresholds required to predict the impact of this variant on PEX6 protein function. In summary, the available evidence is currently insufficient to determine the role of this variant in disease. Therefore, it has been classified as a Variant of Uncertain Significance.

Natera, Inc.
Classification: Uncertain significance for Zellweger syndrome. Last evaluated: 2025-02-03. Review status: no assertion criteria provided. Collection method: clinical testing. Allele origin: germline. Not counted in ClinVar's aggregate classification.

NM_000287.4(PEX6):c.2192T>G (p.Leu731Arg)

Gene: PEX6 (peroxisomal biogenesis factor 6; minus strand). Cytogenetic location: 6p21.1.
Variant type: single nucleotide variant.
Coding change: c.2192T>G on transcript NM_000287.4 (MANE Select); coding-DNA position 2192, T replaced by G.
Protein change: p.Leu731Arg; replaces leucine 731 with arginine.
Molecular consequence: missense variant.
Genome position (GRCh38, 1-based): chr6:42,966,350, A>C on the plus strand (T>G on the coding strand, the complement: PEX6 is on the minus strand). VCF-style: chr6-42966350-A-C. GRCh37 (hg19) VCF-style: chr6-42934088-A-C.
Other names: c.1928T>G, p.Leu643Arg (NM_001316313.2); c.2192T>G (NM_000287.3); short protein forms L643R, L731R.
Identifiers: ClinVar variation 2012725 (VCV002012725.5), dbSNP rs2481208368, ClinGen allele CA364152311.